The following is an entry in ClinVar:

NM_001368809.2(AMPD2):c.91+1G>A

Genes: AMPD2 (adenosine monophosphate deaminase 2; plus strand), LOC129931109 (ATAC-STARR-seq lymphoblastoid active region 1448; plus strand). Cytogenetic location: 1p13.3.
Variant type: single nucleotide variant.
Coding change: c.91+1G>A on transcript NM_001368809.2 (MANE Select); the canonical splice donor site of the intron after coding-DNA position 91, G replaced by A.
Molecular consequence: splice donor variant. On other transcripts: intron variant (1).
Genome position (GRCh38, 1-based): chr1:109,621,267, G>A. VCF-style: chr1-109621267-G-A. GRCh37 (hg19) VCF-style: chr1-110163889-G-A.
Other names: c.10+989G>A (NM_139156.4); c.159+1G>A (NM_001308170.1); c.91+1G>A (NM_004037.9).
Identifiers: ClinVar variation 4881697 (VCV004881697.2).

ClinVar aggregate classification (germline): Likely pathogenic (1 of 4 stars; one submission).

Submission:

Dasa
Classification: Likely pathogenic. Last evaluated: 2025-05-21. Review status: criteria provided, single submitter. Criteria: DASA Assertion Criteria. Collection method: clinical testing. Allele origin: germline.
Comment: NM_001368809.2(AMPD2):c.91+1G>A affects a canonical splice site and is predicted to disrupt normal RNA splicing. Loss of function is an established disease mechanism for AMPD2-associated disorders. Also, this variant is absent from population databases. Based on the currently available evidence, this variant is classified as likely pathogenic.